The following is an entry in ClinVar:

NM_001128178.3(NPHP1):c.1493_1494del (p.Leu498fs)

Gene: NPHP1 (nephrocystin 1; minus strand). Cytogenetic location: 2q13.
Variant type: Deletion.
Coding change: c.1493_1494del on transcript NM_001128178.3 (MANE Select); coding-DNA positions 1493 to 1494, 2 bases deleted (TG; older notation c.1493_1494delTG).
Protein change: p.Leu498fs; shifts the reading frame from leucine 498.
Molecular consequence: frameshift variant.
Genome position (GRCh38, 1-based): chr2:110,143,577-110,143,578, CA deleted on the plus strand (TG on the coding strand, the reverse complement: NPHP1 is on the minus strand). VCF-style (leftmost placement, unchanged base first): chr2-110143576-TCA-T. GRCh37 (hg19) VCF-style: chr2-110901153-TCA-T.
Other names: c.1661_1662del, p.Leu554fs (NM_000272.5); c.1304_1305del, p.Leu435fs (NM_001128179.3); c.1490_1491del, p.Leu497fs (NM_001374256.1); c.1493_1494del, p.Leu498fs (NM_001374257.1); c.1658_1659del, p.Leu553fs (NM_207181.4); short protein forms L498fs, L553fs, L554fs, L435fs, L497fs.
Identifiers: ClinVar variation 1402007 (VCV001402007.6), dbSNP rs2104480049, ClinGen allele CA2573133013.

ClinVar aggregate classification (germline): Pathogenic (1 of 4 stars; one submission).

Conditions:
Nephronophthisis. Also called: Juvenile Nephronophthisis. Identifiers: Orphanet 655, MedGen C0687120, MONDO:0019005, HP:0000090.

Submission:

Labcorp Genetics (formerly Invitae), Labcorp
Classification: Pathogenic for Nephronophthisis. Last evaluated: 2022-08-31. Review status: criteria provided, single submitter. Criteria: Invitae Variant Classification Sherloc (09022015). Collection method: clinical testing. Allele origin: germline.
Comment: For these reasons, this variant has been classified as Pathogenic. ClinVar contains an entry for this variant (Variation ID: 1402007). This variant has not been reported in the literature in individuals affected with NPHP1-related conditions. This variant is not present in population databases (gnomAD no frequency). This sequence change creates a premature translational stop signal (p.Leu554Glnfs*50) in the NPHP1 gene. It is expected to result in an absent or disrupted protein product. Loss-of-function variants in NPHP1 are known to be pathogenic (PMID: 23559409).

Literature cited by the submitters: PubMed 23559409.